The following is an entry in ClinVar:

NM_000051.4(ATM):c.7175G>A (p.Arg2392Gln)

Genes: ATM (ATM serine/threonine kinase; plus strand), C11orf65 (chromosome 11 open reading frame 65; minus strand). Cytogenetic location: 11q22.3.
Variant type: single nucleotide variant.
Coding change: c.7175G>A on transcript NM_000051.4 (MANE Select); coding-DNA position 7175, G replaced by A.
Protein change: p.Arg2392Gln; replaces arginine 2392 with glutamine.
Molecular consequence: missense variant. On other transcripts: intron variant (2).
Genome position (GRCh38, 1-based): chr11:108,329,106, G>A. VCF-style: chr11-108329106-G-A. GRCh37 (hg19) VCF-style: chr11-108199833-G-A.
Other names: c.7175G>A, p.Arg2392Gln (NM_001351834.2); c.641-20035C>T (NM_001330368.2); c.*38+6114C>T (NM_001351110.2); short protein forms R2392Q.
Identifiers: ClinVar variation 231314 (VCV000231314.11), dbSNP rs876659083, ClinGen allele CA10579252.
Genomic context (GRCh38, chr11:108,329,106, plus strand): 5'-ATGGAGAAAGTAGTGATGAGCTAAGAAATGGAAAAATGAAGGCATTTCTCTCATTAGCCC[G>A]GTTTTCAGATACTCAATACCAAAGAATTGAAAACTACATGAAATCATCGGAATTTGAAAA-3'
Protein context (NP_000042.3, residues 2382-2402): GKMKAFLSLA[Arg2392Gln]FSDTQYQRIE

ClinVar aggregate classification (germline): Uncertain significance. Review status: criteria provided, multiple submitters, no conflicts (2 of 4 stars). 2 submissions from 2 submitters: Uncertain significance (2). Last evaluated 2025-11-24.

Conditions:
Hereditary cancer-predisposing syndrome. Also called: Neoplastic Syndromes, Hereditary; Hereditary neoplastic syndrome; Tumor predisposition; Hereditary Cancer Syndrome. Identifiers: Orphanet 140162, MedGen C0027672, MeSH D009386, MONDO:0015356.
Ataxia-telangiectasia syndrome (AT). Also called: Ataxia telangiectasia (A-T); Cerebello-oculocutaneous telangiectasia; Immunodeficiency with ataxia telangiectasia; LOUIS-BAR SYNDROME; AT, COMPLEMENTATION GROUP C; ATAXIA-TELANGIECTASIA, FRESNO VARIANT. Identifiers: Orphanet 100, MedGen C0004135, MONDO:0008840, OMIM 208900.

gnomAD v4.1: 2 of 1,614,000 alleles (0.00012%); highest among the groups gnomAD compares: Non-Finnish European, 0.00017%; no homozygotes.

Submissions (2):

Labcorp Genetics (formerly Invitae), Labcorp
Classification: Uncertain significance for Ataxia-telangiectasia syndrome. Last evaluated: 2025-11-24. Review status: criteria provided, single submitter. Criteria: Invitae Variant Classification Sherloc (09022015). Collection method: clinical testing. Allele origin: germline.
Comment: This sequence change replaces arginine, which is basic and polar, with glutamine, which is neutral and polar, at codon 2392 of the ATM protein (p.Arg2392Gln). This variant is not present in population databases (gnomAD no frequency). This variant has not been reported in the literature in individuals affected with ATM-related conditions. ClinVar contains an entry for this variant (Variation ID: 231314). Invitae Evidence Modeling of protein sequence and biophysical properties (such as structural, functional, and spatial information, amino acid conservation, physicochemical variation, residue mobility, and thermodynamic stability) has been performed for this missense variant. However, the output from this modeling did not meet the statistical confidence thresholds required to predict the impact of this variant on ATM protein function. In summary, the available evidence is currently insufficient to determine the role of this variant in disease. Therefore, it has been classified as a Variant of Uncertain Significance.

Ambry Genetics
Classification: Uncertain significance for Hereditary cancer-predisposing syndrome. Last evaluated: 2023-06-15. Review status: criteria provided, single submitter. Criteria: Ambry Variant Classification Scheme 2023. Collection method: clinical testing. Allele origin: germline.
Comment: The p.R2392Q variant (also known as c.7175G>A), located in coding exon 48 of the ATM gene, results from a G to A substitution at nucleotide position 7175. The arginine at codon 2392 is replaced by glutamine, an amino acid with highly similar properties. This amino acid position is highly conserved in available vertebrate species. In addition, this alteration is predicted to be deleterious by in silico analysis. Since supporting evidence is limited at this time, the clinical significance of this alteration remains unclear.